The following is an entry in ClinVar:

ClinVar aggregate classification (germline): Pathogenic (1 of 4 stars; one submission).

Conditions:
Hypertrophic cardiomyopathy 1 (CMH1). Also called: Familial hypertrophic cardiomyopathy 1; MYH7-Related Familial Hypertrophic Cardiomyopathy. Identifiers: MedGen C3495498, MONDO:0008647, OMIM 192600.

Submission:

3billion
Classification: Pathogenic for Hypertrophic cardiomyopathy 1. Last evaluated: 2024-02-15. Review status: criteria provided, single submitter. Criteria: ACMG Guidelines, 2015. Collection method: clinical testing. Allele origin: germline. Affected: yes.
Comment: The variant is not observed in the gnomAD v2.1.1 dataset. Predicted Consequence/Location: The variant is located in a mutational hot spot and/or well-established functional domain in which established pathogenic variants have been reported (PMID: 29300372). In silico tool predictions suggest damaging effect of the variant on gene or gene product [REVEL: 0.66 (>=0.6, sensitivity 0.68 and specificity 0.92); 3Cnet: 0.72 (>=0.6, sensitivity 0.72 and precision 0.9)]. Different nucleotide change resulting in same amino acid change has been previously reported as pathogenic/likely pathogenic with strong evidence (ClinVar ID: VCV000952302).A different missense change at the same codon (p.Lys611Gln) has been reported to be associated with MYH7-related disorder (ClinVar ID: VCV000234755). Therefore, this variant is classified as Pathogenic according to the recommendation of ACMG/AMP guideline.

NM_000257.4(MYH7):c.1833G>C (p.Lys611Asn)

Gene: MYH7 (myosin heavy chain 7; minus strand). Cytogenetic location: 14q11.2.
Variant type: single nucleotide variant.
Coding change: c.1833G>C on transcript NM_000257.4 (MANE Select); coding-DNA position 1833, G replaced by C.
Protein change: p.Lys611Asn; replaces lysine 611 with asparagine.
Molecular consequence: missense variant.
Genome position (GRCh38, 1-based): chr14:23,427,640, C>G on the plus strand (G>C on the coding strand, the complement: MYH7 is on the minus strand). VCF-style: chr14-23427640-C-G. GRCh37 (hg19) VCF-style: chr14-23896849-C-G.
Other names: c.1833G>C, p.Lys611Asn (NM_001407004.1); short protein forms K611N.
Identifiers: ClinVar variation 3775810 (VCV003775810.1).